The following is an entry in ClinVar:

ClinVar aggregate classification (germline): Pathogenic. Review status: reviewed by expert panel (3 of 4 stars). 4 submissions from 4 submitters: Pathogenic (1). 3 of the submissions do not count toward it. Last evaluated 2022-12-14.

Conditions:
Very long chain acyl-CoA dehydrogenase deficiency (ACADVLD). Also called: Very Long-Chain Acyl-Coenzyme A Dehydrogenase Deficiency; VLCAD Deficiency. Identifiers: Orphanet 26793, MedGen C3887523, MONDO:0008723, OMIM 201475.

Submissions (4):

ClinGen ACADVL Variant Curation Expert Panel, ClinGen
Classification: Pathogenic for Very long chain acyl-CoA dehydrogenase deficiency. Last evaluated: 2022-12-14. Review status: reviewed by expert panel. Criteria: clingen acadvl acmg specifications v1. Collection method: curation. Allele origin: germline. Inheritance: Autosomal recessive inheritance.
Comment: The c.642_643del (p.Phe214LeufsTer38) variant in ACADVL is a frameshift variant predicted to cause a premature stop codon in biologically-relevant-exon 9/20 leading to nonsense mediated decay in a gene in which loss-of-function is an established disease mechanism (PVS1; PMIDs 9973285, 11590124). At least one patient with this variant displayed increased acylcarnitine levels, which is highly specific for very long chain acyl CoA dehydrogenase (VLCAD) deficiency (PP4, PMID: 31620161). Additionally, two individuals carried a distinct likely pathogenic variant not confirmed to be in trans, but one of these individuals was not confirmed by biochemical testing to be affected with VLCAD deficiency (PMID: 35400565). The highest population minor allele frequency in gnomAD v3.1.2 is 0.00001470 in European (non-Finnish) population, which is lower than the ClinGen ACADVL Variant Curation Expert Panel threshold (<0.001) for PM2_Supporting, meeting this criterion (PM2_Supporting). In summary, this variant meets the criteria to be classified as pathogenic for autosomal recessive VLCAD deficiency based on the ACMG/AMP criteria applied, as specified by the ClinGen ACADVL Variant Curation Expert Panel: PVS1, PM2_Moderate, PP4 (ACADVL VCEP specifications version 1; approved November 8, 2021).

Labcorp Genetics (formerly Invitae), Labcorp
Classification: Pathogenic for Very long chain acyl-CoA dehydrogenase deficiency. Last evaluated: 2025-05-15. Review status: criteria provided, single submitter. Criteria: Invitae Variant Classification Sherloc (09022015). Collection method: clinical testing. Allele origin: germline. Not counted in ClinVar's aggregate classification.
Comment: This sequence change creates a premature translational stop signal (p.Phe214Leufs*38) in the ACADVL gene. It is expected to result in an absent or disrupted protein product. Loss-of-function variants in ACADVL are known to be pathogenic (PMID: 9973285, 11590124). This variant is not present in population databases (gnomAD no frequency). This variant has not been reported in the literature in individuals affected with ACADVL-related conditions. ClinVar contains an entry for this variant (Variation ID: 1073342). For these reasons, this variant has been classified as Pathogenic.

Natera, Inc.
Classification: Pathogenic for Very long chain acyl-CoA dehydrogenase deficiency. Last evaluated: 2024-07-25. Review status: criteria provided, single submitter. Criteria: Natera Variant Classification Schema (03/2026). Collection method: clinical testing. Allele origin: germline. Not counted in ClinVar's aggregate classification.
Comment: The c.642_643delCT variant in ACADVL is a frameshift variant predicted to shift the reading frame beginning at codon 214 and leads to a stop codon 38 codons downstream. This variant is expected to result in nonsense mediated decay, truncation, or a dysfunctional protein product. This variant is rare in the general population with a frequency below the threshold expected for the associated phenotype(s). This variant has been observed in one or more individuals affected with the associated recessive disease, as either homozygous or compound heterozygous with a second variant (PMID: 15210884). Given the available evidence, this variant is classified as Pathogenic.

Baylor Genetics
Classification: Pathogenic for Very long chain acyl-CoA dehydrogenase deficiency. Last evaluated: 2023-12-23. Review status: criteria provided, single submitter. Criteria: ACMG Guidelines, 2015. Collection method: clinical testing. Allele origin: unknown. Not counted in ClinVar's aggregate classification.

Literature cited by the submitters: PubMed 9973285 (cited by Labcorp Genetics (formerly Invitae), Labcorp); PubMed 11590124 (cited by Labcorp Genetics (formerly Invitae), Labcorp); PubMed 15210884 (cited by Natera, Inc.).

NM_000018.4(ACADVL):c.642_643del (p.Phe214fs)

Gene: ACADVL (acyl-CoA dehydrogenase very long chain; plus strand). Cytogenetic location: 17p13.1.
Variant type: Deletion.
Coding change: c.642_643del on transcript NM_000018.4 (MANE Select); coding-DNA positions 642 to 643, 2 bases deleted (CT; older notation c.642_643delCT).
Protein change: p.Phe214fs; shifts the reading frame from phenylalanine 214.
Molecular consequence: frameshift variant.
Genome position (GRCh38, 1-based): chr17:7,221,971-7,221,972, CT deleted; deleting any 2 consecutive bases within chr17:7,221,970-7,221,972 gives the same sequence; the c. name uses the placement nearest the transcript's 3' end. VCF-style (leftmost placement, unchanged base first): chr17-7221969-TTC-T. GRCh37 (hg19) VCF-style: chr17-7125288-TTC-T.
Other names: NM_000018.4(ACADVL):c.642_643del; p.Phe214fs; c.576_577del, p.Phe192fs (NM_001033859.3); c.711_712del, p.Phe237fs (NM_001270447.2); c.414_415del, p.Phe138fs (NM_001270448.2); c.642_643delCT (NM_000018.3); short protein forms F138fs, F192fs, F214fs, F237fs.
Identifiers: ClinVar variation 1073342 (VCV001073342.10), dbSNP rs1186576451, ClinGen allele CA774742300.